The following is an entry in ClinVar:

ClinVar aggregate classification (germline): Uncertain significance. Review status: criteria provided, multiple submitters, no conflicts (2 of 4 stars). 5 submissions from 5 submitters: Uncertain significance (4). 1 of the submissions does not count toward it. Last evaluated 2025-03-20.

Conditions:
Inborn genetic diseases. Identifiers: MedGen C0950123, MeSH D030342.
Sulfite oxidase deficiency due to molybdenum cofactor deficiency type A. Also called: Molybdenum Cofactor Deficiency A; Molybdenum cofactor deficiency, complementation group A. Identifiers: Orphanet 308386, Orphanet 833, MedGen C1854988, MONDO:0009643, OMIM 252150.
Intellectual disability. Also called: Intellectual developmental disorder; intellectual disabilities; Intellectual functioning disability. Identifiers: MedGen C3714756, MeSH D008607, MONDO:0001071, HP:0001249.

Allele frequency attached by ClinVar (database versions not stated): gnomAD 0.00002; gnomAD exomes 0.00002 and 0.00004; TOPMed 0.00002; ExAC 0.00003.
gnomAD v4.1: 61 of 1,613,576 alleles (0.0038%); highest among the groups gnomAD compares: Middle Eastern, 0.016%; no homozygotes.

Submissions (5):

Ambry Genetics
Classification: Uncertain significance for Inborn genetic diseases. Last evaluated: 2025-03-20. Review status: criteria provided, single submitter. Criteria: Ambry Variant Classification Scheme 2023. Collection method: clinical testing. Allele origin: germline.

Labcorp Genetics (formerly Invitae), Labcorp
Classification: Uncertain significance for Sulfite oxidase deficiency due to molybdenum cofactor deficiency type A. Last evaluated: 2024-05-20. Review status: criteria provided, single submitter. Criteria: Invitae Variant Classification Sherloc (09022015). Collection method: clinical testing. Allele origin: germline.
Comment: This sequence change replaces arginine, which is basic and polar, with tryptophan, which is neutral and slightly polar, at codon 144 of the MOCS1 protein (p.Arg144Trp). This variant is present in population databases (rs767641674, gnomAD 0.005%). This variant has not been reported in the literature in individuals affected with MOCS1-related conditions. ClinVar contains an entry for this variant (Variation ID: 975448). An algorithm developed to predict the effect of missense changes on protein structure and function (PolyPhen-2) suggests that this variant is likely to be disruptive. In summary, the available evidence is currently insufficient to determine the role of this variant in disease. Therefore, it has been classified as a Variant of Uncertain Significance.

Fulgent Genetics
Classification: Uncertain significance for Sulfite oxidase deficiency due to molybdenum cofactor deficiency type A. Last evaluated: 2024-04-12. Review status: criteria provided, single submitter. Criteria: ACMG Guidelines, 2015. Collection method: clinical testing. Allele origin: germline.

CeGaT Center for Human Genetics Tuebingen
Classification: Uncertain significance. Last evaluated: 2021-07-01. Review status: criteria provided, single submitter. Criteria: CeGaT Center For Human Genetics Tuebingen Variant Classification Criteria Version 2. Collection method: clinical testing. Allele origin: germline. Affected: yes. Observed: 1 variant allele.

Centre de Biologie Pathologie Génétique, Centre Hospitalier Universitaire de Lille
Classification: Likely benign for Intellectual disability. Last evaluated: 2019-01-01. Review status: no assertion criteria provided. Collection method: clinical testing. Allele origin: inherited. Affected: yes. Not counted in ClinVar's aggregate classification.

NM_001358530.2(MOCS1):c.430C>T (p.Arg144Trp)

Gene: MOCS1 (molybdenum cofactor synthesis 1; minus strand). Cytogenetic location: 6p21.2.
Variant type: single nucleotide variant.
Coding change: c.430C>T on transcript NM_001358530.2 (MANE Select); coding-DNA position 430, C replaced by T.
Protein change: p.Arg144Trp; replaces arginine 144 with tryptophan.
Molecular consequence: missense variant. On other transcripts: non-coding transcript variant (1).
Genome position (GRCh38, 1-based): chr6:39,916,221, G>A on the plus strand (C>T on the coding strand, the complement: MOCS1 is on the minus strand). VCF-style: chr6-39916221-G-A. GRCh37 (hg19) VCF-style: chr6-39883965-G-A.
Other names: c.430C>T (NM_005943.5); c.430C>T, p.Arg144Trp (NM_001075098.4, NM_001358529.2, NM_005943.6); c.169C>T, p.Arg57Trp (NM_001358531.2, NM_001358533.2, NM_001358534.2); short protein forms R144W, R57W.
Identifiers: ClinVar variation 975448 (VCV000975448.46), dbSNP rs767641674, ClinGen allele CA3796279.
Genomic context (GRCh38, chr6:39,916,221, plus strand): 5'-GTAGCCGGGCCAGGTTGATGCCATTGGTGGTAACACCTATGGTTCTCAGCCCTTCCAGCC[G>A]CTGGAGCTGGGCTGTAAGGACAACAGAAAGGGGGTCAGACTGCTTGCTTGTTCTTGGTGA-3'
Protein context (NP_001345459.1, residues 134-154): DVVDIVAQLQ[Arg144Trp]LEGLRTIGVT